The following is an entry in ClinVar:

ClinVar aggregate classification (germline): Uncertain significance. Review status: criteria provided, multiple submitters, no conflicts (2 of 4 stars). 2 submissions from 2 submitters: Uncertain significance (2). Last evaluated 2024-11-23.

Conditions:
Baller-Gerold syndrome (BGS). Also called: CRANIOSYNOSTOSIS WITH RADIAL DEFECTS. Identifiers: Orphanet 1225, MedGen C0265308, MONDO:0009039, OMIM 218600.
Inborn genetic diseases. Identifiers: MedGen C0950123, MeSH D030342.

Allele frequency attached by ClinVar (database versions not stated): gnomAD exomes below 0.00001; gnomAD 0.00001; TOPMed 0.00001.
gnomAD v4.1: 3 of 1,612,506 alleles (0.00019%); highest among the groups gnomAD compares: African/African-American, 0.004%; no homozygotes.

Submissions (2):

Ambry Genetics
Classification: Uncertain significance for Inborn genetic diseases. Last evaluated: 2024-11-23. Review status: criteria provided, single submitter. Criteria: Ambry Variant Classification Scheme 2023. Collection method: clinical testing. Allele origin: germline.
Comment: The p.G290E variant (also known as c.869G>A), located in coding exon 5 of the RECQL4 gene, results from a G to A substitution at nucleotide position 869. The glycine at codon 290 is replaced by glutamic acid, an amino acid with similar properties. This amino acid position is conserved. In addition, this alteration is predicted to be tolerated by in silico analysis. Based on the available evidence, the clinical significance of this variant remains unclear.

Labcorp Genetics (formerly Invitae), Labcorp
Classification: Uncertain significance for Baller-Gerold syndrome. Last evaluated: 2023-08-16. Review status: criteria provided, single submitter. Criteria: Invitae Variant Classification Sherloc (09022015). Collection method: clinical testing. Allele origin: germline.
Comment: In summary, the available evidence is currently insufficient to determine the role of this variant in disease. Therefore, it has been classified as a Variant of Uncertain Significance. This sequence change replaces glycine, which is neutral and non-polar, with glutamic acid, which is acidic and polar, at codon 290 of the RECQL4 protein (p.Gly290Glu). This variant is not present in population databases (gnomAD no frequency). This variant has not been reported in the literature in individuals affected with RECQL4-related conditions. ClinVar contains an entry for this variant (Variation ID: 648464). Advanced modeling of protein sequence and biophysical properties (such as structural, functional, and spatial information, amino acid conservation, physicochemical variation, residue mobility, and thermodynamic stability) performed at Invitae indicates that this missense variant is not expected to disrupt RECQL4 protein function.

NM_004260.4(RECQL4):c.869G>A (p.Gly290Glu)

Gene: RECQL4 (RecQ like helicase 4; minus strand). Cytogenetic location: 8q24.3.
Variant type: single nucleotide variant.
Coding change: c.869G>A on transcript NM_004260.4 (MANE Select); coding-DNA position 869, G replaced by A.
Protein change: p.Gly290Glu; replaces glycine 290 with glutamic acid.
Molecular consequence: missense variant.
Genome position (GRCh38, 1-based): chr8:144,516,250, C>T on the plus strand (G>A on the coding strand, the complement: RECQL4 is on the minus strand). VCF-style: chr8-144516250-C-T. GRCh37 (hg19) VCF-style: chr8-145741634-C-T.
Other names: short protein forms G290E.
Identifiers: ClinVar variation 648464 (VCV000648464.6), dbSNP rs1007744170, ClinGen allele CA187688738.